The following is an entry in ClinVar:

NM_000439.5(PCSK1):c.1518T>C (p.His506=)

Genes: CAST (calpastatin; plus strand), PCSK1 (proprotein convertase subtilisin/kexin type 1; minus strand), LOC101929710 (uncharacterized LOC101929710; plus strand). Cytogenetic location: 5q15.
Variant type: single nucleotide variant.
Coding change: c.1518T>C on transcript NM_000439.5 (MANE Select); coding-DNA position 1518, T replaced by C.
Protein change: p.His506=; no amino-acid change (histidine 506 retained).
Molecular consequence: synonymous variant.
Genome position (GRCh38, 1-based): chr5:96,398,949, A>G on the plus strand (T>C on the coding strand, the complement: PCSK1 is on the minus strand). VCF-style: chr5-96398949-A-G. GRCh37 (hg19) VCF-style: chr5-95734653-A-G.
Other names: c.1377T>C, p.His459= (NM_001177875.2).
Identifiers: ClinVar variation 747429 (VCV000747429.4), dbSNP rs747285593, ClinGen allele CA445491604.

ClinVar aggregate classification (germline): Likely benign. Review status: criteria provided, single submitter (1 of 4 stars). 2 submissions from 2 submitters: Likely benign (1). 1 of the submissions does not count toward it. Last evaluated 2018-03-30.

Conditions:
PCSK1-related disorder. Also called: PCSK1-related condition.

Allele frequency attached by ClinVar (database versions not stated): gnomAD exomes below 0.00001.
gnomAD v4.1: 1 of 1,612,902 alleles (0.000062%); highest among the groups gnomAD compares: Middle Eastern, 0.017%; no homozygotes.

Submissions (2):

Labcorp Genetics (formerly Invitae), Labcorp
Classification: Likely benign. Last evaluated: 2018-03-30. Review status: criteria provided, single submitter. Criteria: Invitae Variant Classification Sherloc (09022015). Collection method: clinical testing. Allele origin: germline.

PreventionGenetics, part of Exact Sciences
Classification: Likely benign for PCSK1-related condition. Last evaluated: 2024-08-26. Review status: no assertion criteria provided. Collection method: clinical testing. Allele origin: germline. Not counted in ClinVar's aggregate classification.
Comment: This variant is classified as likely benign based on ACMG/AMP sequence variant interpretation guidelines (Richards et al. 2015 PMID: 25741868, with internal and published modifications).